The following is an entry in ClinVar:

ClinVar aggregate classification (germline): Uncertain significance. Review status: criteria provided, multiple submitters, no conflicts (2 of 4 stars). 5 submissions from 5 submitters: Uncertain significance (5). Last evaluated 2024-03-06.

Conditions:
Hereditary cancer-predisposing syndrome. Also called: Neoplastic Syndromes, Hereditary; Tumor predisposition; Hereditary Cancer Syndrome; Hereditary neoplastic syndrome. Identifiers: Orphanet 140162, MedGen C0027672, MeSH D009386, MONDO:0015356.
Classic or attenuated familial adenomatous polyposis. Identifiers: MedGen CN372698, MONDO:0021057.
Familial adenomatous polyposis 1 (FAP1). Also called: FAMILIAL ADENOMATOUS POLYPOSIS 1, ATTENUATED; POLYPOSIS, ADENOMATOUS INTESTINAL. Identifiers: MedGen C2713442, MONDO:0021056, OMIM 175100. Disease mechanism: loss of function.

Allele frequency attached by ClinVar (database versions not stated): TOPMed below 0.00001; gnomAD 0.00001.
gnomAD v4.1: 1 of 1,614,002 alleles (0.000062%); highest among the groups gnomAD compares: Admixed American, 0.0017%; no homozygotes.

Submissions (5):

Color Diagnostics, LLC DBA Color Health
Classification: Uncertain significance for Hereditary cancer-predisposing syndrome. Last evaluated: 2024-03-06. Review status: criteria provided, single submitter. Criteria: ACMG Guidelines, 2015. Collection method: clinical testing. Allele origin: germline.
Comment: This missense variant replaces isoleucine with arginine at codon 1418 of the APC protein. Computational prediction is inconclusive regarding the impact of this variant on protein structure and function (internally defined REVEL score threshold 0.5 < inconclusive < 0.7, PMID: 27666373). To our knowledge, functional studies have not been reported for this variant. This variant has not been reported in individuals affected with APC-related disorders in the literature. This variant has not been identified in the general population by the Genome Aggregation Database (gnomAD). The available evidence is insufficient to determine the role of this variant in disease conclusively. Therefore, this variant is classified as a Variant of Uncertain Significance.

All of Us Research Program, National Institutes of Health
Classification: Uncertain significance for Classic or attenuated familial adenomatous polyposis. Last evaluated: 2023-08-28. Review status: criteria provided, single submitter. Criteria: ACMG Guidelines, 2015. Collection method: clinical testing. Allele origin: germline. Inheritance: Autosomal dominant inheritance. Observed: 1 variant allele, 1 heterozygote.
Comment: This missense variant replaces isoleucine with arginine at codon 1418 of the APC protein. Computational prediction is inconclusive regarding the impact of this variant on protein structure and function (internally defined REVEL score threshold 0.5 < inconclusive < 0.7, PMID: 27666373). To our knowledge, functional studies have not been reported for this variant. This variant has not been reported in individuals affected with APC-related disorders in the literature. This variant has not been identified in the general population by the Genome Aggregation Database (gnomAD). The available evidence is insufficient to determine the role of this variant in disease conclusively. Therefore, this variant is classified as a Variant of Uncertain Significance.

This study involves interpretation of variants in research participants for the purpose of population health screening. Participant phenotype was not available at the time of variant classification. Additional details can be found in publication PMID: 35346344, PMCID: PMC8962531

Baylor Genetics
Classification: Uncertain significance for Familial adenomatous polyposis 1. Last evaluated: 2023-08-04. Review status: criteria provided, single submitter. Criteria: ACMG Guidelines, 2015. Collection method: clinical testing. Allele origin: unknown.

Labcorp Genetics (formerly Invitae), Labcorp
Classification: Uncertain significance for Familial adenomatous polyposis 1. Last evaluated: 2022-08-23. Review status: criteria provided, single submitter. Criteria: Invitae Variant Classification Sherloc (09022015). Collection method: clinical testing. Allele origin: germline.
Comment: This sequence change replaces isoleucine, which is neutral and non-polar, with arginine, which is basic and polar, at codon 1418 of the APC protein (p.Ile1418Arg). This variant is not present in population databases (gnomAD no frequency). This variant has not been reported in the literature in individuals affected with APC-related conditions. ClinVar contains an entry for this variant (Variation ID: 482503). Algorithms developed to predict the effect of missense changes on protein structure and function are either unavailable or do not agree on the potential impact of this missense change (SIFT: "Deleterious"; PolyPhen-2: "Possibly Damaging"; Align-GVGD: "Class C0"). In summary, the available evidence is currently insufficient to determine the role of this variant in disease. Therefore, it has been classified as a Variant of Uncertain Significance.

Ambry Genetics
Classification: Uncertain significance for Hereditary cancer-predisposing syndrome. Last evaluated: 2019-11-01. Review status: criteria provided, single submitter. Criteria: Ambry Variant Classification Scheme 2023. Collection method: clinical testing. Allele origin: germline.
Comment: The p.I1418R variant (also known as c.4253T>G), located in coding exon 15 of the APC gene, results from a T to G substitution at nucleotide position 4253. The isoleucine at codon 1418 is replaced by arginine, an amino acid with similar properties. This amino acid position is well conserved in available vertebrate species. In addition, in silico predictors for this gene do not accurately predict pathogenicity. Since supporting evidence is limited at this time, the clinical significance of this alteration remains unclear.

NM_000038.6(APC):c.4253T>G (p.Ile1418Arg)

Gene: APC (APC regulator of Wnt signaling pathway; plus strand). Cytogenetic location: 5q22.2.
Variant type: single nucleotide variant.
Coding change: c.4253T>G on transcript NM_000038.6 (MANE Select); coding-DNA position 4253, T replaced by G.
Protein change: p.Ile1418Arg; replaces isoleucine 1418 with arginine.
Molecular consequence: missense variant.
Genome position (GRCh38, 1-based): chr5:112,839,847, T>G. VCF-style: chr5-112839847-T-G. GRCh37 (hg19) VCF-style: chr5-112175544-T-G.
Other names: c.4253T>G, p.Ile1418Arg (NM_001127510.3, NM_001354895.2); c.4199T>G, p.Ile1400Arg (NM_001127511.3); c.4307T>G, p.Ile1436Arg (NM_001354896.2); c.4283T>G, p.Ile1428Arg (NM_001354897.2); c.4178T>G, p.Ile1393Arg (NM_001354898.2); c.4169T>G, p.Ile1390Arg (NM_001354899.2); c.4130T>G, p.Ile1377Arg (NM_001354900.2); c.4076T>G, p.Ile1359Arg (NM_001354901.2); and 5 more; short protein forms I1400R, I1418R, I1317R, I1436R, I1135R, I1258R, I1292R, I1428R.
Identifiers: ClinVar variation 482503 (VCV000482503.21), dbSNP rs1304517507, ClinGen allele CA16030649.